The following is an entry in ClinVar:

GRCh38/hg38 21q22.3(chr21:46111353-46119948)x1

Gene: COL6A2 (collagen type VI alpha 2 chain; plus strand). Cytogenetic location: 21q22.3.
Variant type: copy number loss.
Change: copy number 1 (one copy instead of two) of chr21:46,111,353-46,119,948 (8.6 kb, GRCh38 coordinates, 1-based), cytogenetic band 21q22.3.
Identifiers: ClinVar variation 2579226 (VCV002579226.1).

ClinVar aggregate classification (germline): Pathogenic (1 of 4 stars; one submission).

Conditions:
Bethlem myopathy 1A. Also called: MYOPATHY, BENIGN CONGENITAL, WITH CONTRACTURES; Bethlem Muscular Dystrophy; Bethlem myopathy 1. Identifiers: Orphanet 610, MedGen CN029274, MONDO:0024530, OMIM 158810.

Submission:

Broad Center for Mendelian Genomics, Broad Institute of MIT and Harvard
Classification: Pathogenic for Bethlem myopathy 1A. Last evaluated: 2023-08-24. Review status: criteria provided, single submitter. Criteria: ACMG/ClinGen CNV Guidelines, 2019. Collection method: research. Allele origin: unknown. Inheritance: Autosomal recessive inheritance. Affected: yes.
Comment: These breakpoints have been estimated by exome sequencing only and therefore may not reflect the true breakpoints. Inheritance information is unavailable. The patient phenotype is nonspecific, but is consistent with cases described in the literature and/or published databases with overlapping variants. This intragenic variant deletes the first coding exon and is predicted to cause loss of the methionine initiation codon. This alteration is then predicted to lead to a truncated or absent protein. Loss of function of COL6A2 is an established disease mechanism in autosomal recessive collagen 6-related myopathy. In summary, this variant meets criteria to be classified as pathogenic for autosomal recessive Bethlem myopathy. The ACMG/ClinGen evidence codes and points used in this curation are as follows: 1: 0 points, 2: 0.90 points, 3: 0 points, 4-5: 0.30 points; Total: 1.20 points; Riggs 2020 (PMID: 31690835).